The following is an entry in ClinVar:

NM_201596.3(CACNB2):c.754A>G (p.Ser252Gly)

Gene: CACNB2 (calcium voltage-gated channel auxiliary subunit beta 2; plus strand). Cytogenetic location: 10p12.31.
Variant type: single nucleotide variant.
Coding change: c.754A>G on transcript NM_201596.3 (MANE Select); coding-DNA position 754, A replaced by G.
Protein change: p.Ser252Gly; replaces serine 252 with glycine.
Molecular consequence: missense variant. On other transcripts: intron variant (6).
Genome position (GRCh38, 1-based): chr10:18,514,319, A>G. VCF-style: chr10-18514319-A-G. GRCh37 (hg19) VCF-style: chr10-18803248-A-G.
Other names: c.589A>G, p.Ser197Gly (NM_000724.4); c.610A>G, p.Ser204Gly (NM_201570.3); c.670A>G, p.Ser224Gly (NM_201571.4); c.592A>G, p.Ser198Gly (NM_201590.3); c.587-192A>G (NM_001167945.2); c.587-661A>G (NM_201572.4); c.671-192A>G (NM_201593.3); c.671-661A>G (NM_201597.3); and 2 more; short protein forms S198G, S224G, S204G, S197G, S252G.
Identifiers: ClinVar variation 3484153 (VCV003484153.1).

ClinVar aggregate classification (germline): Uncertain significance (1 of 4 stars; one submission).

Conditions:
Cardiovascular phenotype. Identifiers: MedGen CN230736.

gnomAD v4.1: 3 of 1,614,222 alleles (0.00019%); highest among the groups gnomAD compares: Non-Finnish European, 0.00025%; no homozygotes.

Submission:

Ambry Genetics
Classification: Uncertain significance for Cardiovascular phenotype. Last evaluated: 2024-09-11. Review status: criteria provided, single submitter. Criteria: Ambry Variant Classification Scheme 2023. Collection method: clinical testing. Allele origin: germline.
Comment: The p.S198G variant (also known as c.592A>G), located in coding exon 6 of the CACNB2 gene, results from an A to G substitution at nucleotide position 592. The serine at codon 198 is replaced by glycine, an amino acid with similar properties. This amino acid position is conserved. In addition, this alteration is predicted to be tolerated by in silico analysis. Based on the available evidence, the clinical significance of this variant remains unclear.